The following is an entry in ClinVar:

NM_001457.4(FLNB):c.6928A>G (p.Ile2310Val)

Gene: FLNB (filamin B; plus strand). Cytogenetic location: 3p14.3.
Variant type: single nucleotide variant.
Coding change: c.6928A>G on transcript NM_001457.4 (MANE Select); coding-DNA position 6928, A replaced by G.
Protein change: p.Ile2310Val; replaces isoleucine 2310 with valine.
Molecular consequence: missense variant.
Genome position (GRCh38, 1-based): chr3:58,159,593, A>G. VCF-style: chr3-58159593-A-G. GRCh37 (hg19) VCF-style: chr3-58145320-A-G.
Other names: c.7021A>G, p.Ile2341Val (NM_001164317.2); c.6895A>G, p.Ile2299Val (NM_001164318.2); c.6856A>G, p.Ile2286Val (NM_001164319.2); short protein forms I2310V, I2286V, I2299V, I2341V.
Identifiers: ClinVar variation 902476 (VCV000902476.13), dbSNP rs143005300, ClinGen allele CA2469541.

ClinVar aggregate classification (germline): Conflicting classifications of pathogenicity. Review status: criteria provided, conflicting classifications (1 of 4 stars). 4 submissions from 4 submitters: Uncertain significance (2); Likely benign (2). Last evaluated 2025-12-19.

Conditions:
FLNB-Related Spectrum Disorders.
Inborn genetic diseases. Identifiers: MedGen C0950123, MeSH D030342.

Allele frequency attached by ClinVar (database versions not stated): gnomAD exomes 0.00004 and 0.00009; ExAC 0.00009; gnomAD 0.00029 and 0.00030; 1000 Genomes Project 0.00040; TOPMed 0.00045; ESP Exome Variant Server 0.00046; 1000 Genomes Project 30x 0.00047.
gnomAD v4.1: 110 of 1,614,072 alleles (0.0068%); highest among the groups gnomAD compares: African/African-American, 0.13%; no homozygotes.

Submissions (4):

Labcorp Genetics (formerly Invitae), Labcorp
Classification: Likely benign. Last evaluated: 2025-12-19. Review status: criteria provided, single submitter. Criteria: Invitae Variant Classification Sherloc (09022015). Collection method: clinical testing. Allele origin: germline.

Ambry Genetics
Classification: Likely benign for Inborn genetic diseases. Last evaluated: 2025-08-01. Review status: criteria provided, single submitter. Criteria: Ambry Variant Classification Scheme 2023. Collection method: clinical testing. Allele origin: germline.

GeneDx
Classification: Uncertain significance. Last evaluated: 2024-09-13. Review status: criteria provided, single submitter. Criteria: GeneDx Variant Classification Process June 2021. Collection method: clinical testing. Allele origin: germline. Affected: yes.
Comment: In silico analysis indicates that this missense variant does not alter protein structure/function; Has not been previously published as pathogenic or benign to our knowledge

Illumina Laboratory Services, Illumina
Classification: Uncertain significance for FLNB-Related Spectrum Disorders. Last evaluated: 2018-01-12. Review status: criteria provided, single submitter. Criteria: ICSL Variant Classification Criteria 13 December 2019. Collection method: clinical testing. Allele origin: germline.